The following is an entry in ClinVar:

NM_001024630.4(RUNX2):c.354C>A (p.Ser118Arg)

Gene: RUNX2 (RUNX family transcription factor 2; plus strand). Cytogenetic location: 6p21.1.
Variant type: single nucleotide variant.
Coding change: c.354C>A on transcript NM_001024630.4 (MANE Select); coding-DNA position 354, C replaced by A.
Protein change: p.Ser118Arg; replaces serine 118 with arginine.
Molecular consequence: missense variant.
Genome position (GRCh38, 1-based): chr6:45,422,888, C>A. VCF-style: chr6-45422888-C-A. GRCh37 (hg19) VCF-style: chr6-45390625-C-A.
Other names: c.354C>A, p.Ser118Arg (NM_001015051.4); c.312C>A, p.Ser104Arg (NM_001278478.2, NM_001369405.1); short protein forms S104R, S118R.
Identifiers: ClinVar variation 3720692 (VCV003720692.2).
Genomic context (GRCh38, chr6:45,422,888, plus strand): 5'-CAACCGCACCATGGTGGAGATCATCGCCGACCACCCGGCCGAACTCGTCCGCACCGACAG[C>A]CCCAACTTCCTGTGCTCGGTGCTGCCCTCGCACTGGCGCTGCAACAAGACCCTGCCCGTG-3'
Protein context (NP_001019801.3, residues 108-128): DHPAELVRTD[Ser118Arg]PNFLCSVLPS

ClinVar aggregate classification (germline): Likely pathogenic (1 of 4 stars; one submission).

Submission:

Labcorp Genetics (formerly Invitae), Labcorp
Classification: Likely pathogenic. Last evaluated: 2024-02-02. Review status: criteria provided, single submitter. Criteria: Invitae Variant Classification Sherloc (09022015). Collection method: clinical testing. Allele origin: germline.
Comment: This sequence change replaces serine, which is neutral and polar, with arginine, which is basic and polar, at codon 118 of the RUNX2 protein (p.Ser118Arg). This variant is not present in population databases (gnomAD no frequency). This missense change has been observed in individuals with cleidocranial dysplasia (PMID: 10521292, 20560987; Invitae). This variant is also known as S104R. Advanced modeling of protein sequence and biophysical properties (such as structural, functional, and spatial information, amino acid conservation, physicochemical variation, residue mobility, and thermodynamic stability) performed at Invitae indicates that this missense variant is expected to disrupt RUNX2 protein function with a positive predictive value of 80%. Experimental studies have shown that this missense change affects RUNX2 function (PMID: 12231506). In summary, the currently available evidence indicates that the variant is pathogenic, but additional data are needed to prove that conclusively. Therefore, this variant has been classified as Likely Pathogenic.

Literature cited by the submitters: PubMed 10521292; PubMed 20560987; PubMed 12231506.